The following is an entry in ClinVar:

ClinVar aggregate classification (germline): Pathogenic/Likely pathogenic. Review status: criteria provided, multiple submitters, no conflicts (2 of 4 stars). 2 submissions from 2 submitters: Pathogenic (1); Likely pathogenic (1). Last evaluated 2025-01-18.

Conditions:
Trichohepatoenteric syndrome 1 (THES1). Also called: DIARRHEA, FATAL INFANTILE, WITH TRICHORRHEXIS NODOSA. Identifiers: Orphanet 84064, MedGen C4551982, MONDO:0024541, OMIM 222470.
SKIC3-related disorder. Also called: SKIC3-related condition.

Submissions (2):

PreventionGenetics, part of Exact Sciences
Classification: Pathogenic for SKIC3-related condition. Last evaluated: 2025-01-18. Review status: criteria provided, single submitter. Criteria: ACMG Guidelines, 2015. Collection method: clinical testing. Allele origin: germline.
Comment: The SKIC3 c.4070delC variant is predicted to result in a frameshift and premature protein termination (p.Pro1357Leufs*10). This variant has been reported in the homozygous state in at least one individual with trichohepatoenteric syndrome type 1: (Alrammal et al. 2024. PubMed ID: 38987716; Canavati et al. 2024. PubMed ID: 38178268). This variant has not been reported in a large population database (gnomAD), indicating this variant is rare. Frameshift variants in SKIC3 are expected to be pathogenic. This variant is interpreted as pathogenic.

Hadassah Hebrew University Medical Center
Classification: Likely pathogenic for Trichohepatoenteric syndrome 1. Last evaluated: 2019-06-20. Review status: criteria provided, single submitter. Criteria: ACMG Guidelines, 2015. Collection method: clinical testing. Allele origin: germline. Inheritance: Autosomal recessive inheritance. Affected: yes.

NM_014639.4(SKIC3):c.4070del (p.Pro1357fs)

Gene: SKIC3 (SKI3 subunit of superkiller complex; minus strand). Cytogenetic location: 5q15.
Variant type: Deletion.
Coding change: c.4070del on transcript NM_014639.4 (MANE Select); coding-DNA position 4070, one base deleted (C; older notation c.4070delC).
Protein change: p.Pro1357fs; shifts the reading frame from proline 1357.
Molecular consequence: frameshift variant.
Genome position (GRCh38, 1-based): chr5:95,482,615, G deleted on the plus strand (C on the coding strand, the reverse complement: SKIC3 is on the minus strand); the first of 3 consecutive G bases (chr5:95,482,615-95,482,617); deleting any one gives the same sequence. VCF-style (leftmost placement, unchanged base first): chr5-95482614-AG-A. GRCh37 (hg19) VCF-style: chr5-94818318-AG-A.
Other names: c.4070delC (NM_014639.3); short protein forms P1357fs.
Identifiers: ClinVar variation 804452 (VCV000804452.4), dbSNP rs1582849807, ClinGen allele CA915943417.